The following is an entry in ClinVar:

NM_015443.4(KANSL1):c.518C>T (p.Ser173Phe)

Gene: KANSL1 (KAT8 regulatory NSL complex subunit 1). Cytogenetic location: 17q21.31.
Variant type: single nucleotide variant.
Coding change: c.518C>T on transcript NM_015443.4 (MANE Select); coding-DNA position 518, C replaced by T.
Protein change: p.Ser173Phe; replaces serine 173 with phenylalanine.
Molecular consequence: missense variant.
Genome position (GRCh38, 1-based): chr17:46,171,626, G>A on the plus strand (C>T on the coding strand, the complement: KANSL1 is on the minus strand). VCF-style: chr17-46171626-G-A. GRCh37 (hg19) VCF-style: chr17-44248992-G-A.
Other names: c.518C>T (NM_001193466.1); c.518C>T, p.Ser173Phe (NM_001193465.2, NM_001193466.2, NM_001379198.1); short protein forms S173F.
Identifiers: ClinVar variation 1024494 (VCV001024494.4), dbSNP rs750012482, ClinGen allele CA8619041.

ClinVar aggregate classification (germline): Uncertain significance. Review status: criteria provided, multiple submitters, no conflicts (2 of 4 stars). 2 submissions from 2 submitters: Uncertain significance (2). Last evaluated 2023-05-24.

Conditions:
Koolen-de Vries syndrome (KDVS). Identifiers: Orphanet 96169, MedGen C1864871, MONDO:0012496, OMIM 610443.
Inborn genetic diseases. Identifiers: MedGen C0950123, MeSH D030342.

Allele frequency attached by ClinVar (database versions not stated): gnomAD exomes 0.00002; ExAC 0.00004; gnomAD 0.00005 and 0.00006; TOPMed 0.00006.
gnomAD v4.1: 30 of 1,570,630 alleles (0.0019%); highest among the groups gnomAD compares: African/African-American, 0.0096%; no homozygotes.

Submissions (2):

Ambry Genetics
Classification: Uncertain significance for Inborn genetic diseases. Last evaluated: 2023-05-24. Review status: criteria provided, single submitter. Criteria: Ambry Variant Classification Scheme 2023. Collection method: clinical testing. Allele origin: germline.

Labcorp Genetics (formerly Invitae), Labcorp
Classification: Uncertain significance for Koolen-de Vries syndrome. Last evaluated: 2021-07-04. Review status: criteria provided, single submitter. Criteria: Invitae Variant Classification Sherloc (09022015). Collection method: clinical testing. Allele origin: germline.
Comment: Due to the possible presence of a polymorphic segmental duplication, the location of the variant could not be unambiguously resolved. Variants with ambiguous mapping are still reported relative to the KANSL1 transcript. This sequence change replaces serine with phenylalanine at codon 173 of the KANSL1 protein (p.Ser173Phe). The serine residue is highly conserved and there is a large physicochemical difference between serine and phenylalanine. The frequency data for this variant in the population databases (ExAC) is considered unreliable due to the presence of homologous sequence, such as pseudogenes or paralogs, in the genome. This variant has not been reported in the literature in individuals with KANSL1-related conditions. ClinVar contains an entry for this variant (Variation ID: 1024494). Algorithms developed to predict the effect of missense changes on protein structure and function (SIFT, PolyPhen-2, Align-GVGD) all suggest that this variant is likely to be disruptive. Until the location of this sequence change can be resolved, the clinical significance of this variant remains uncertain. It has been classified as a Variant of Uncertain Significance.